The following is an entry in ClinVar:

NM_032447.5(FBN3):c.2491C>T (p.Arg831Trp)

Gene: FBN3 (fibrillin 3; minus strand). Cytogenetic location: 19p13.2.
Variant type: single nucleotide variant.
Coding change: c.2491C>T on transcript NM_032447.5 (MANE Select); coding-DNA position 2491, C replaced by T.
Protein change: p.Arg831Trp; replaces arginine 831 with tryptophan.
Molecular consequence: missense variant.
Genome position (GRCh38, 1-based): chr19:8,126,531, G>A on the plus strand (C>T on the coding strand, the complement: FBN3 is on the minus strand). VCF-style: chr19-8126531-G-A. GRCh37 (hg19) VCF-style: chr19-8191415-G-A.
Other names: c.2491C>T, p.Arg831Trp (NM_001321431.2); short protein forms R831W.
Identifiers: ClinVar variation 2888372 (VCV002888372.3), dbSNP rs201538212, ClinGen allele CA9152870.

ClinVar aggregate classification (germline): Uncertain significance (1 of 4 stars; one submission).

gnomAD v4.1: 92 of 1,612,932 alleles (0.0057%); highest among the groups gnomAD compares: Non-Finnish European, 0.0066%; no homozygotes.

Submission:

Labcorp Genetics (formerly Invitae), Labcorp
Classification: Uncertain significance. Last evaluated: 2026-01-18. Review status: criteria provided, single submitter. Criteria: Invitae Variant Classification Sherloc (09022015). Collection method: clinical testing. Allele origin: germline.
Comment: This sequence change replaces arginine, which is basic and polar, with tryptophan, which is neutral and slightly polar, at codon 831 of the FBN3 protein (p.Arg831Trp). This variant is present in population databases (rs201538212, gnomAD 0.01%). This variant has not been reported in the literature in individuals affected with FBN3-related conditions. ClinVar contains an entry for this variant (Variation ID: 2888372). Invitae Evidence Modeling of protein sequence and biophysical properties (such as structural, functional, and spatial information, amino acid conservation, physicochemical variation, residue mobility, and thermodynamic stability) indicates that this missense variant is expected to disrupt FBN3 protein function with a positive predictive value of 80%. In summary, the available evidence is currently insufficient to determine the role of this variant in disease. Therefore, it has been classified as a Variant of Uncertain Significance.